The following is an entry in ClinVar:

ClinVar aggregate classification (germline): Likely benign. Review status: criteria provided, multiple submitters, no conflicts (2 of 4 stars). 2 submissions from 2 submitters: Likely benign (2). Last evaluated 2018-01-13.

Conditions:
Megalencephalic leukoencephalopathy with subcortical cysts 1 (MLC1). Also called: LEUKOENCEPHALOPATHY WITH SWELLING AND CYSTS; VACUOLATING MEGALENCEPHALIC LEUKOENCEPHALOPATHY WITH SUBCORTICAL CYSTS. Identifiers: Orphanet 2478, MedGen C5779875, MONDO:0024555, OMIM 604004.

Allele frequency attached by ClinVar (database versions not stated): 1000 Genomes Project 30x 0.00406; 1000 Genomes Project 0.00459; TOPMed 0.00584.
gnomAD v4.1: 953 of 286,312 alleles (0.33%); highest among the groups gnomAD compares: African/African-American, 1.7%; 4 homozygotes.

Submissions (2):

Illumina Laboratory Services, Illumina
Classification: Likely benign for Megalencephalic leukoencephalopathy with subcortical cysts 1. Last evaluated: 2018-01-13. Review status: criteria provided, single submitter. Criteria: ICSL Variant Classification Criteria 13 December 2019. Collection method: clinical testing. Allele origin: germline.
Comment: This variant was observed in the ICSL laboratory as part of a predisposition screen in an ostensibly healthy population. It had not been previously curated by ICSL or reported in the Human Gene Mutation Database (HGMD: prior to June 1st, 2018), and was therefore a candidate for classification through an automated scoring system. Utilizing variant allele frequency, disease prevalence and penetrance estimates, and inheritance mode, an automated score was calculated to assess if this variant is too frequent to cause the disease. Based on the score and internal cut-off values, a variant classified as likely benign is not then subjected to further curation. The score for this variant resulted in a classification of likely benign for this disease.

Breakthrough Genomics
Classification: Likely benign. Review status: criteria provided, single submitter. Criteria: ACMG Guidelines, 2015. Collection method: not provided. Allele origin: germline. Inheritance: Autosomal recessive inheritance. Affected: yes.

NM_015166.4(MLC1):c.*431C>T

Gene: MLC1 (modulator of VRAC current 1; minus strand). Cytogenetic location: 22q13.33.
Variant type: single nucleotide variant.
Coding change: c.*431C>T on transcript NM_015166.4 (MANE Select); 431 bases downstream of the stop codon, C replaced by T.
Molecular consequence: 3 prime UTR variant. On other transcripts: intron variant (2).
Genome position (GRCh38, 1-based): chr22:50,061,152, G>A on the plus strand (C>T on the coding strand, the complement: MLC1 is on the minus strand). VCF-style: chr22-50061152-G-A. GRCh37 (hg19) VCF-style: chr22-50499581-G-A.
Other names: c.*431C>T (NM_001376472.1, NM_001376473.1, NM_001376474.1 and 9 more transcripts); c.*45+386C>T (NM_001376478.1, NM_001376477.1).
Identifiers: ClinVar variation 342097 (VCV000342097.6), dbSNP rs114598884, ClinGen allele CA10645745.
Genomic context (GRCh38, chr22:50,061,152, plus strand): 5'-TTGCAGGGAAGTGGGTAAGATCCCACTGGGCTGACTGAGTACCCGGGACAGACCCTAAGC[G>A]TGGAGGGAGGAAGCCCGGTCAGAGTGGGCAGGAGACGCAGGGACCCACAGTCTGGTCAGG-3'